The following is an entry in ClinVar:

NM_004104.5(FASN):c.229C>A (p.Pro77Thr)

Gene: FASN (fatty acid synthase; minus strand). Cytogenetic location: 17q25.3.
Variant type: single nucleotide variant.
Coding change: c.229C>A on transcript NM_004104.5 (MANE Select); coding-DNA position 229, C replaced by A.
Protein change: p.Pro77Thr; replaces proline 77 with threonine.
Molecular consequence: missense variant.
Genome position (GRCh38, 1-based): chr17:82,095,371, G>T on the plus strand (C>A on the coding strand, the complement: FASN is on the minus strand). VCF-style: chr17-82095371-G-T. GRCh37 (hg19) VCF-style: chr17-80053247-G-T.
Other names: short protein forms P77T.
Identifiers: ClinVar variation 3632371 (VCV003632371.2).

ClinVar aggregate classification (germline): Uncertain significance (1 of 4 stars; one submission).

Conditions:
Epileptic encephalopathy. Identifiers: MedGen C0543888, HP:0200134.

Submission:

Labcorp Genetics (formerly Invitae), Labcorp
Classification: Uncertain significance for Epileptic encephalopathy. Last evaluated: 2024-10-22. Review status: criteria provided, single submitter. Criteria: Invitae Variant Classification Sherloc (09022015). Collection method: clinical testing. Allele origin: germline.
Comment: This sequence change replaces proline, which is neutral and non-polar, with threonine, which is neutral and polar, at codon 77 of the FASN protein (p.Pro77Thr). This variant is not present in population databases (gnomAD no frequency). This variant has not been reported in the literature in individuals affected with FASN-related conditions. An algorithm developed to predict the effect of missense changes on protein structure and function (PolyPhen-2) suggests that this variant is likely to be disruptive. In summary, the available evidence is currently insufficient to determine the role of this variant in disease. Therefore, it has been classified as a Variant of Uncertain Significance.